The following is an entry in ClinVar:

ClinVar aggregate classification (germline): Uncertain significance (1 of 4 stars; one submission).

Submission:

GeneDx
Classification: Uncertain significance. Last evaluated: 2022-11-09. Review status: criteria provided, single submitter. Criteria: GeneDx Variant Classification Process June 2021. Collection method: clinical testing. Allele origin: germline. Affected: yes.
Comment: Not observed at significant frequency in large population cohorts (gnomAD); Missense variants in this gene are often considered pathogenic (HGMD); In silico analysis supports that this missense variant has a deleterious effect on protein structure/function; Has not been previously published as pathogenic or benign to our knowledge

NM_170665.4(ATP2A2):c.484G>A (p.Asp162Asn)

Gene: ATP2A2 (ATPase sarcoplasmic/endoplasmic reticulum Ca2+ transporting 2; plus strand). Cytogenetic location: 12q24.11.
Variant type: single nucleotide variant.
Coding change: c.484G>A on transcript NM_170665.4 (MANE Select); coding-DNA position 484, G replaced by A.
Protein change: p.Asp162Asn; replaces aspartic acid 162 with asparagine.
Molecular consequence: missense variant.
Genome position (GRCh38, 1-based): chr12:110,323,012, G>A. VCF-style: chr12-110323012-G-A. GRCh37 (hg19) VCF-style: chr12-110760817-G-A.
Other names: c.379G>A, p.Asp127Asn (NM_001413013.1); c.484G>A, p.Asp162Asn (NM_001413014.1, NM_001681.4); c.109G>A, p.Asp37Asn (NM_001413015.1); short protein forms D127N, D162N, D37N.
Identifiers: ClinVar variation 2501852 (VCV002501852.1), dbSNP rs2548550546, ClinGen allele CA386664351.